The following is an entry in ClinVar:

NC_000023.11:g.(?_32849718)_(32849830_?)del

Gene: DMD (dystrophin; minus strand). Cytogenetic location: Xp21.1.
Variant type: Deletion.
Identifiers: ClinVar variation 661738 (VCV000661738.2).

ClinVar aggregate classification (germline): Pathogenic (1 of 4 stars; one submission).

Conditions:
Duchenne muscular dystrophy (DMD). Also called: MUSCULAR DYSTROPHY, PSEUDOHYPERTROPHIC PROGRESSIVE, DUCHENNE TYPE; Duchenne Muscular Dystrophy (DMD). Identifiers: Orphanet 98896, MedGen C0013264, MONDO:0010679, OMIM 310200.

Submission:

Labcorp Genetics (formerly Invitae), Labcorp
Classification: Pathogenic for Duchenne muscular dystrophy. Last evaluated: 2019-03-18. Review status: criteria provided, single submitter. Criteria: Invitae Variant Classification Sherloc (09022015). Collection method: clinical testing. Allele origin: germline.
Comment: This variant is an in-frame deletion of the genomic region encompassing exon 3 of the DMD gene. It preserves the integrity of the reading frame. A similar deletion of exon 3 has been reported in several individuals affected with DMD-related dystrophinopathies (PMID: 11524473, 9028449, 2063877). Experimental studies and prediction algorithms are not available for this variant, and the functional significance of the affected amino acids is currently unknown. For these reasons, this variant has been classified as Pathogenic.

Literature cited by the submitters: PubMed 9028449; PubMed 2063877; PubMed 11524473.